The following is an entry in ClinVar:

NM_001379500.1(COL18A1):c.3612C>T (p.Ala1204=)

Genes: COL18A1 (collagen type XVIII alpha 1 chain; plus strand), SLC19A1 (solute carrier family 19 member 1; minus strand). Cytogenetic location: 21q22.3.
Variant type: single nucleotide variant.
Coding change: c.3612C>T on transcript NM_001379500.1 (MANE Select); coding-DNA position 3612, C replaced by T.
Protein change: p.Ala1204=; no amino-acid change (alanine 1204 retained).
Molecular consequence: synonymous variant.
Genome position (GRCh38, 1-based): chr21:45,510,180, C>T. VCF-style: chr21-45510180-C-T. GRCh37 (hg19) VCF-style: chr21-46930094-C-T.
Other names: c.4143C>T, p.Ala1381= (NM_030582.4); c.4848C>T, p.Ala1616= (NM_130444.3).
Identifiers: ClinVar variation 4979499 (VCV004979499.1).

ClinVar aggregate classification (germline): Likely benign (1 of 4 stars; one submission).

Conditions:
COL18A1-related disorder. Also called: COL18A1-related disorders; COL18A1-related condition.

Submission:

PreventionGenetics, part of Exact Sciences
Classification: Likely benign for COL18A1-related condition. Last evaluated: 2026-03-27. Review status: criteria provided, single submitter. Criteria: ACMG Guidelines, 2015. Collection method: clinical testing. Allele origin: germline.
Comment: This variant is classified as likely benign based on ACMG/AMP sequence variant interpretation guidelines (Richards et al. 2015 PMID: 25741868, with internal and published modifications).